The following is an entry in ClinVar:

ClinVar aggregate classification (germline): Uncertain significance (1 of 4 stars; one submission).

Conditions:
Immunodeficiency. Identifiers: MedGen C0021051, MONDO:0021094, HP:0002721.

Submission:

Labcorp Genetics (formerly Invitae), Labcorp
Classification: Uncertain significance for Immunodeficiency. Last evaluated: 2025-09-24. Review status: criteria provided, single submitter. Criteria: Invitae Variant Classification Sherloc (09022015). Collection method: clinical testing. Allele origin: germline.
Comment: This variant, c.2673_2675del, results in the deletion of 1 amino acid(s) of the NFAT5 protein (p.Thr895del), but otherwise preserves the integrity of the reading frame. This variant is not present in population databases (gnomAD no frequency). This variant has not been reported in the literature in individuals affected with NFAT5-related conditions. Experimental studies and prediction algorithms are not available or were not evaluated, and the functional significance of this variant is currently unknown. In summary, the available evidence is currently insufficient to determine the role of this variant in disease. Therefore, it has been classified as a Variant of Uncertain Significance.

NM_138713.4(NFAT5):c.2955_2957del (p.Thr989del)

Gene: NFAT5 (nuclear factor of activated T cells 5; plus strand). Cytogenetic location: 16q22.1.
Variant type: Deletion.
Coding change: c.2955_2957del on transcript NM_138713.4 (MANE Select); coding-DNA positions 2955 to 2957, 3 bases deleted (TAC; older notation c.2955_2957delTAC).
Protein change: p.Thr989del; deletes threonine 989.
Molecular consequence: inframe deletion.
Genome position (GRCh38, 1-based): chr16:69,692,780-69,692,782, TAC deleted; deleting any 3 consecutive bases within chr16:69,692,779-69,692,782 gives the same sequence; the c. name uses the placement nearest the transcript's 3' end. VCF-style (leftmost placement, unchanged base first): chr16-69692778-TCTA-T. GRCh37 (hg19) VCF-style: chr16-69726681-TCTA-T.
Other names: c.2952_2954del, p.Thr988del (NM_001113178.3); c.2280_2282del, p.Thr764del (NM_001367709.1); c.2901_2903del, p.Thr971del (NM_006599.4); c.2673_2675del, p.Thr895del (NM_138714.4, NM_173214.3, NM_173215.3); short protein forms T895del, T971del, T989del, T764del, T988del.
Identifiers: ClinVar variation 4754146 (VCV004754146.1).
Genomic context (GRCh38, chr16:69,692,778, plus strand): 5'-GATATGCAAATGCAGTGTGAATTGTTTTCTTCTCCTCCTGCAGTTTCTGGAAATGAAACT[TCTA>T]CAACTACCACACAGCAGGTTGCAACCCCTGGCACTACCATGTTTCAGACATCAAGTTCAG-3'